The following is an entry in ClinVar:

NM_033004.4(NLRP1):c.448+109C>G

Gene: NLRP1 (NLR family pyrin domain containing 1; minus strand). Cytogenetic location: 17p13.2.
Variant type: single nucleotide variant.
Coding change: c.448+109C>G on transcript NM_033004.4 (MANE Select); 109 bases into the intron after coding-DNA position 448, C replaced by G.
Molecular consequence: intron variant.
Genome position (GRCh38, 1-based): chr17:5,582,561, G>C on the plus strand (C>G on the coding strand, the complement: NLRP1 is on the minus strand). VCF-style: chr17-5582561-G-C. GRCh37 (hg19) VCF-style: chr17-5485881-G-C.
Other names: c.448+109C>G (NM_001033053.3, NM_033007.4, NM_033006.4 and 1 more transcripts).
Identifiers: ClinVar variation 103032 (VCV000103032.2), dbSNP rs199476208, ClinGen allele CA018542.

ClinVar aggregate classification (germline): not provided (0 of 4 stars; one submission).

Allele frequency attached by ClinVar (database versions not stated): gnomAD 0.00001 and 0.00003; gnomAD exomes 0.00001.
gnomAD v4.1: 12 of 1,061,582 alleles (0.0011%); highest among the groups gnomAD compares: East Asian, 0.013%; no homozygotes.

Submission:

Human Evolutionary Genetics, Institut Pasteur
No classification provided. Review status: no classification provided. Collection method: not provided. Allele origin: germline.
ClinVar note: Converted during submission from untested to not provided.